The following is an entry in ClinVar:

NM_001372.4(DNAH9):c.3490G>T (p.Glu1164Ter)

Gene: DNAH9 (dynein axonemal heavy chain 9; plus strand). Cytogenetic location: 17p12.
Variant type: single nucleotide variant.
Coding change: c.3490G>T on transcript NM_001372.4 (MANE Select); coding-DNA position 3490, G replaced by T.
Protein change: p.Glu1164Ter; replaces glutamic acid 1164 with a stop codon.
Molecular consequence: nonsense.
Genome position (GRCh38, 1-based): chr17:11,679,893, G>T. VCF-style: chr17-11679893-G-T. GRCh37 (hg19) VCF-style: chr17-11583210-G-T.
Other names: short protein forms E1164*.
Identifiers: ClinVar variation 3623447 (VCV003623447.2).

ClinVar aggregate classification (germline): Pathogenic (1 of 4 stars; one submission).

gnomAD v4.1: 1 of 1,613,996 alleles (0.000062%); highest among the groups gnomAD compares: Admixed American, 0.0017%; no homozygotes.

Submission:

Labcorp Genetics (formerly Invitae), Labcorp
Classification: Pathogenic. Last evaluated: 2025-12-19. Review status: criteria provided, single submitter. Criteria: Invitae Variant Classification Sherloc (09022015). Collection method: clinical testing. Allele origin: germline.
Comment: This sequence change creates a premature translational stop signal (p.Glu1164*) in the DNAH9 gene. It is expected to result in an absent or disrupted protein product. Loss-of-function variants in DNAH9 are known to be pathogenic (PMID: 30471718). This variant is not present in population databases (gnomAD no frequency). This variant has not been reported in the literature in individuals affected with DNAH9-related conditions. ClinVar contains an entry for this variant (Variation ID: 3623447). For these reasons, this variant has been classified as Pathogenic.

Literature cited by the submitters: PubMed 30471718.